The following is an entry in ClinVar:

NM_001130144.3(LTBP3):c.907T>C (p.Cys303Arg)

Gene: LTBP3 (latent transforming growth factor beta binding protein 3; minus strand). Cytogenetic location: 11q13.1.
Variant type: single nucleotide variant.
Coding change: c.907T>C on transcript NM_001130144.3 (MANE Select); coding-DNA position 907, T replaced by C.
Protein change: p.Cys303Arg; replaces cysteine 303 with arginine.
Molecular consequence: missense variant.
Genome position (GRCh38, 1-based): chr11:65,553,488, A>G on the plus strand (T>C on the coding strand, the complement: LTBP3 is on the minus strand). VCF-style: chr11-65553488-A-G. GRCh37 (hg19) VCF-style: chr11-65320959-A-G.
Other names: c.556T>C, p.Cys186Arg (NM_001164266.1); c.907T>C, p.Cys303Arg (NM_021070.4); short protein forms C303R, C186R.
Identifiers: ClinVar variation 5023713 (VCV005023713.1).

ClinVar aggregate classification (germline): Uncertain significance (1 of 4 stars; one submission).

Conditions:
Inborn genetic diseases. Identifiers: MedGen C0950123, MeSH D030342.

Submission:

Ambry Genetics
Classification: Uncertain significance for Inborn genetic diseases. Last evaluated: 2026-08-08. Review status: criteria provided, single submitter. Criteria: Ambry Variant Classification Scheme 2023. Collection method: clinical testing. Allele origin: germline.
Comment: The p.C303R variant (also known as c.907T>C), located in coding exon 4 of the LTBP3 gene, results from a T to C substitution at nucleotide position 907. The cysteine at codon 303 is replaced by arginine, an amino acid with highly dissimilar properties. This amino acid position is conserved. In addition, this alteration is predicted to be deleterious by in silico analysis. Based on the available evidence, the clinical significance of this variant remains unclear.